The following is an entry in ClinVar:

ClinVar aggregate classification (germline): Conflicting classifications of pathogenicity. Review status: criteria provided, conflicting classifications (1 of 4 stars). 3 submissions from 3 submitters: Uncertain significance (2); Benign (1). Last evaluated 2025-07-18.

Conditions:
Tuberous sclerosis 1 (TSC1). Identifiers: Orphanet 805, MedGen C1854465, MONDO:0008612, OMIM 191100.
Lymphangiomyomatosis (LAM). Also called: Lymphangioleiomyomatosis; Lymphangioleiomyomatosis, somatic. Identifiers: Orphanet 538, MedGen C0751674, MONDO:0011705, OMIM 606690.
Isolated focal cortical dysplasia type II (FCORD2). Also called: Focal cortical dysplasia type II; CORTICAL DYSPLASIA OF TAYLOR. Identifiers: Orphanet 268994, MedGen C1846385, MONDO:0011818, OMIM 607341, HP:0032051.
Hereditary cancer-predisposing syndrome. Also called: Hereditary Cancer Syndrome; Tumor predisposition; Neoplastic Syndromes, Hereditary; Hereditary neoplastic syndrome. Identifiers: Orphanet 140162, MedGen C0027672, MeSH D009386, MONDO:0015356.

Allele frequency attached by ClinVar (database versions not stated): gnomAD exomes below 0.00001 and 0.00001.
gnomAD v4.1: 4 of 1,538,088 alleles (0.00026%); highest among the groups gnomAD compares: South Asian, 0.0024%; no homozygotes.

Submissions (3):

Ambry Genetics
Classification: Uncertain significance for Hereditary cancer-predisposing syndrome. Last evaluated: 2025-07-18. Review status: criteria provided, single submitter. Criteria: Ambry Variant Classification Scheme 2023. Collection method: clinical testing. Allele origin: germline.
Comment: The p.Y884C variant (also known as c.2651A>G), located in coding exon 19 of the TSC1 gene, results from an A to G substitution at nucleotide position 2651. The tyrosine at codon 884 is replaced by cysteine, an amino acid with highly dissimilar properties. This amino acid position is conserved. In addition, this alteration is predicted to be tolerated by in silico analysis. Since supporting evidence is limited at this time, the clinical significance of this alteration remains unclear.

Labcorp Genetics (formerly Invitae), Labcorp
Classification: Benign for Tuberous sclerosis 1. Last evaluated: 2024-12-11. Review status: criteria provided, single submitter. Criteria: Invitae Variant Classification Sherloc (09022015). Collection method: clinical testing. Allele origin: germline.

Fulgent Genetics
Classification: Uncertain significance for Tuberous sclerosis 1; Lymphangiomyomatosis; Isolated focal cortical dysplasia type II. Last evaluated: 2022-03-12. Review status: criteria provided, single submitter. Criteria: ACMG Guidelines, 2015. Collection method: clinical testing. Allele origin: unknown.

NM_000368.5(TSC1):c.2651A>G (p.Tyr884Cys)

Gene: TSC1 (TSC complex subunit 1; minus strand). Cytogenetic location: 9q34.13.
Variant type: single nucleotide variant.
Coding change: c.2651A>G on transcript NM_000368.5 (MANE Select); coding-DNA position 2651, A replaced by G.
Protein change: p.Tyr884Cys; replaces tyrosine 884 with cysteine.
Molecular consequence: missense variant.
Genome position (GRCh38, 1-based): chr9:132,897,585, T>C on the plus strand (A>G on the coding strand, the complement: TSC1 is on the minus strand). VCF-style: chr9-132897585-T-C. GRCh37 (hg19) VCF-style: chr9-135772972-T-C.
Other names: c.2648A>G, p.Tyr883Cys (NM_001162426.2); c.2498A>G, p.Tyr833Cys (NM_001162427.2); c.2288A>G, p.Tyr763Cys (NM_001362177.2); short protein forms Y833C, Y883C, Y884C, Y763C.
Identifiers: ClinVar variation 652931 (VCV000652931.14), dbSNP rs1449821288, ClinGen allele CA375369627.